The following is an entry in ClinVar:

ClinVar aggregate classification (germline): Benign/Likely benign. Review status: criteria provided, multiple submitters, no conflicts (2 of 4 stars). 15 submissions from 15 submitters: Benign (4); Likely benign (10). 1 of the submissions does not count toward it. Last evaluated 2026-09-01.

Conditions:
Inborn genetic diseases. Identifiers: MedGen C0950123, MeSH D030342.
Fanconi anemia (FA). Also called: Fanconi's anemia. Identifiers: Orphanet 84, MedGen C0015625, MeSH D005199, MONDO:0019391.
Fanconi anemia complementation group A (FANCA). Also called: FANCA-Related Fanconi Anemia; Fanconi anemia, group A. Identifiers: Orphanet 84, MedGen C3469521, MONDO:0009215, OMIM 227650.

Allele frequency attached by ClinVar (database versions not stated): 1000 Genomes Project 30x 0.00016; 1000 Genomes Project 0.00020; gnomAD exomes 0.00174 and 0.00242; TOPMed 0.00182; ESP Exome Variant Server 0.00185; gnomAD 0.00197 and 0.00201; ExAC 0.00254.
gnomAD v4.1: 3,810 of 1,609,898 alleles (0.24%); highest among the groups gnomAD compares: Non-Finnish European, 0.29%; 6 homozygotes.

Submissions (15):

CeGaT Center for Human Genetics Tuebingen
Classification: Likely benign. Last evaluated: 2026-09-01. Review status: criteria provided, single submitter. Criteria: CeGaT Center For Human Genetics Tuebingen Variant Classification Criteria Version 2. Collection method: clinical testing. Allele origin: germline. Affected: yes. Observed: 24 variant alleles.
Comment: FANCA: BP4, BP7

Labcorp Genetics (formerly Invitae), Labcorp
Classification: Benign for Fanconi anemia. Last evaluated: 2026-02-02. Review status: criteria provided, single submitter. Criteria: Invitae Variant Classification Sherloc (09022015). Collection method: clinical testing. Allele origin: germline.

Mayo Clinic Laboratories, Mayo Clinic
Classification: Likely benign. Last evaluated: 2025-09-10. Review status: criteria provided, single submitter. Criteria: ACMG Guidelines, 2015. Collection method: clinical testing. Allele origin: germline. Observed: 1 variant allele.
Comment: BS1, BP4, BP7

Quest Diagnostics Nichols Institute San Juan Capistrano
Classification: Benign. Last evaluated: 2025-09-08. Review status: criteria provided, single submitter. Criteria: Quest Diagnostics criteria. Collection method: clinical testing. Allele origin: unknown.

ARUP Laboratories, Molecular Genetics and Genomics, ARUP Laboratories
Classification: Benign for Fanconi anemia complementation group A. Last evaluated: 2025-02-11. Review status: criteria provided, single submitter. Criteria: ARUP Molecular Germline Variant Investigation Process 2024. Collection method: clinical testing. Allele origin: germline.

Blueprint Genetics
Classification: Likely benign. Last evaluated: 2024-11-15. Review status: criteria provided, single submitter. Criteria: ACMG Guidelines, 2015. Collection method: clinical testing. Allele origin: germline.

Ambry Genetics
Classification: Likely benign for Inborn genetic diseases. Last evaluated: 2024-10-02. Review status: criteria provided, single submitter. Criteria: Ambry Variant Classification Scheme 2023. Collection method: clinical testing. Allele origin: germline.

Institute for Clinical Genetics, University Hospital TU Dresden, University Hospital TU Dresden
Classification: Likely benign. Last evaluated: 2021-11-03. Review status: criteria provided, single submitter. Criteria: ACMG Guidelines, 2015. Collection method: clinical testing. Allele origin: germline.

Genetic Services Laboratory, University of Chicago
Classification: Likely benign. Last evaluated: 2021-08-25. Review status: criteria provided, single submitter. Criteria: ACMG Guidelines, 2015. Collection method: clinical testing. Allele origin: germline. Affected: no.

Fulgent Genetics
Classification: Likely benign for Fanconi anemia complementation group A. Last evaluated: 2021-08-09. Review status: criteria provided, single submitter. Criteria: ACMG Guidelines, 2015. Collection method: clinical testing. Allele origin: unknown.

GeneDx
Classification: Likely benign. Last evaluated: 2021-03-10. Review status: criteria provided, single submitter. Criteria: GeneDx Variant Classification Process June 2021. Collection method: clinical testing. Allele origin: germline. Affected: yes.
Comment: This variant is associated with the following publications: (PMID: 23021409)

Sema4
Classification: Benign for Fanconi anemia. Last evaluated: 2020-11-30. Review status: criteria provided, single submitter. Criteria: Sema4 Curation Guidelines. Collection method: curation. Allele origin: germline.

Illumina Laboratory Services, Illumina
Classification: Likely benign for Fanconi anemia complementation group A. Last evaluated: 2018-01-13. Review status: criteria provided, single submitter. Criteria: ICSL Variant Classification Criteria 13 December 2019. Collection method: clinical testing. Allele origin: germline.
Comment: This variant was observed in the ICSL laboratory as part of a predisposition screen in an ostensibly healthy population. It had not been previously curated by ICSL or reported in the Human Gene Mutation Database (HGMD: prior to June 1st, 2018), and was therefore a candidate for classification through an automated scoring system. Utilizing variant allele frequency, disease prevalence and penetrance estimates, and inheritance mode, an automated score was calculated to assess if this variant is too frequent to cause the disease. Based on the score and internal cut-off values, a variant classified as likely benign is not then subjected to further curation. The score for this variant resulted in a classification of likely benign for this disease.

PreventionGenetics, part of Exact Sciences
Classification: Likely benign. Review status: criteria provided, single submitter. Criteria: ACMG Guidelines, 2015. Collection method: clinical testing. Allele origin: germline.

Natera, Inc.
Classification: Likely benign for Fanconi anemia. Last evaluated: 2019-12-09. Review status: no assertion criteria provided. Collection method: clinical testing. Allele origin: germline. Not counted in ClinVar's aggregate classification.

Literature cited by the submitters: PubMed 23021409 (cited by Mayo Clinic Laboratories, Mayo Clinic and Quest Diagnostics Nichols Institute San Juan Capistrano).

NM_000135.4(FANCA):c.1830A>G (p.Ala610=)

Gene: FANCA (FA complementation group A; minus strand). Cytogenetic location: 16q24.3.
Variant type: single nucleotide variant.
Coding change: c.1830A>G on transcript NM_000135.4 (MANE Select); coding-DNA position 1830, A replaced by G.
Protein change: p.Ala610=; no amino-acid change (alanine 610 retained).
Molecular consequence: synonymous variant.
Genome position (GRCh38, 1-based): chr16:89,775,812, T>C on the plus strand (A>G on the coding strand, the complement: FANCA is on the minus strand). VCF-style: chr16-89775812-T-C. GRCh37 (hg19) VCF-style: chr16-89842220-T-C.
Other names: p.Ala610=; c.1830A>G, p.Ala610= (NM_001286167.3); c.1830A>G (LRG_495t1).
Identifiers: ClinVar variation 237037 (VCV000237037.73), dbSNP rs1800338, ClinGen allele CA8252009.